The following is an entry in ClinVar:

NM_000179.3(MSH6):c.1156C>G (p.Pro386Ala)

Gene: MSH6 (mutS homolog 6; plus strand). Cytogenetic location: 2p16.3.
Variant type: single nucleotide variant.
Coding change: c.1156C>G on transcript NM_000179.3 (MANE Select); coding-DNA position 1156, C replaced by G.
Protein change: p.Pro386Ala; replaces proline 386 with alanine.
Molecular consequence: missense variant. On other transcripts: non-coding transcript variant (4), intron variant (1).
Genome position (GRCh38, 1-based): chr2:47,799,139, C>G. VCF-style: chr2-47799139-C-G. GRCh37 (hg19) VCF-style: chr2-48026278-C-G.
Other names: c.766C>G, p.Pro256Ala (NM_001281492.2); c.250C>G, p.Pro84Ala (NM_001281493.2, NM_001281494.2, NM_001406811.1 and 6 more transcripts); c.1252C>G, p.Pro418Ala (NM_001406795.1, NM_001406802.1); c.1156C>G, p.Pro386Ala (NM_001406796.1, NM_001406798.1, NM_001406800.1 and 4 more transcripts); c.859C>G, p.Pro287Ala (NM_001406797.1, NM_001406801.1, NM_001406805.1 and 10 more transcripts); c.631C>G, p.Pro211Ala (NM_001406799.1, NM_001406806.1, NM_001406807.1); c.1078C>G, p.Pro360Ala (NM_001406804.1); c.1162C>G, p.Pro388Ala (NM_001406813.1); and 2 more; short protein forms P256A, P360A, P211A, P287A, P330A, P388A, P418A, P386A.
Identifiers: ClinVar variation 4740015 (VCV004740015.1).
Genomic context (GRCh38, chr2:47,799,139, plus strand): 5'-TATCATGAAACTTTAGAATGGCTTAAGGAGGAAAAGAGAAGAGATGAGCACAGGAGGAGG[C>G]CTGATCACCCCGATTTTGATGCATCTACACTCTATGTGCCTGAGGATTTCCTCAATTCTT-3'
Protein context (NP_000170.1, residues 376-396): EKRRDEHRRR[Pro386Ala]DHPDFDASTL

ClinVar aggregate classification (germline): Uncertain significance (1 of 4 stars; one submission).

Conditions:
Hereditary nonpolyposis colorectal neoplasms. Identifiers: MedGen C0009405, MeSH D003123.

Submission:

Labcorp Genetics (formerly Invitae), Labcorp
Classification: Uncertain significance for Hereditary nonpolyposis colorectal neoplasms. Last evaluated: 2025-04-22. Review status: criteria provided, single submitter. Criteria: Invitae Variant Classification Sherloc (09022015). Collection method: clinical testing. Allele origin: germline.
Comment: This sequence change replaces proline, which is neutral and non-polar, with alanine, which is neutral and non-polar, at codon 386 of the MSH6 protein (p.Pro386Ala). This variant is not present in population databases (gnomAD no frequency). This variant has not been reported in the literature in individuals affected with MSH6-related conditions. Invitae Evidence Modeling of protein sequence and biophysical properties (such as structural, functional, and spatial information, amino acid conservation, physicochemical variation, residue mobility, and thermodynamic stability) indicates that this missense variant is not expected to disrupt MSH6 protein function with a negative predictive value of 95%. In summary, the available evidence is currently insufficient to determine the role of this variant in disease. Therefore, it has been classified as a Variant of Uncertain Significance.